The following is an entry in ClinVar:

NM_024596.5(MCPH1):c.2255G>A (p.Arg752His)

Genes: MCPH1 (microcephalin 1; plus strand), MCPH1-AS1 (MCPH1 antisense RNA 1; minus strand). Cytogenetic location: 8p23.1.
Variant type: single nucleotide variant.
Coding change: c.2255G>A on transcript NM_024596.5 (MANE Select); coding-DNA position 2255, G replaced by A.
Protein change: p.Arg752His; replaces arginine 752 with histidine.
Molecular consequence: missense variant. On other transcripts: non-coding transcript variant (1).
Genome position (GRCh38, 1-based): chr8:6,621,494, G>A. VCF-style: chr8-6621494-G-A. GRCh37 (hg19) VCF-style: chr8-6479015-G-A.
Other names: c.2255G>A, p.Arg752His (NM_001322042.2, NM_001363979.1); c.1976G>A, p.Arg659His (NM_001363980.2); short protein forms R659H, R752H.
Identifiers: ClinVar variation 1256318 (VCV001256318.2), dbSNP rs536823455, ClinGen allele CA4611479.
Genomic context (GRCh38, chr8:6,621,494, plus strand): 5'-TATCTCTGTCTGCCCCACAGCTGTGCCGAAGCGAGTGCCACTTGTCTGCAGGGCCGTACC[G>A]CGGAACCCTCTTTGCCGACCAGCCAGCGATGTTTGTCTCGCCTGCCAGCAGCCCCCCAGT-3'
Protein context (NP_078872.3, residues 742-762): SECHLSAGPY[Arg752His]GTLFADQPAM

ClinVar aggregate classification (germline): Uncertain significance. Review status: criteria provided, multiple submitters, no conflicts (2 of 4 stars). 2 submissions from 2 submitters: Uncertain significance (2). Last evaluated 2024-05-26.

Allele frequency attached by ClinVar (database versions not stated): 1000 Genomes Project 0.00020; gnomAD exomes 0.00001; ExAC 0.00001; gnomAD 0.00004; 1000 Genomes Project 30x 0.00016; TOPMed 0.00005.

Submissions (2):

Labcorp Genetics (formerly Invitae), Labcorp
Classification: Uncertain significance. Last evaluated: 2024-05-26. Review status: criteria provided, single submitter. Criteria: Invitae Variant Classification Sherloc (09022015). Collection method: clinical testing. Allele origin: germline.
Comment: This sequence change replaces arginine, which is basic and polar, with histidine, which is basic and polar, at codon 752 of the MCPH1 protein (p.Arg752His). This variant is present in population databases (rs536823455, gnomAD 0.01%). This variant has not been reported in the literature in individuals affected with MCPH1-related conditions. ClinVar contains an entry for this variant (Variation ID: 1256318). Advanced modeling of protein sequence and biophysical properties (such as structural, functional, and spatial information, amino acid conservation, physicochemical variation, residue mobility, and thermodynamic stability) performed at Invitae indicates that this missense variant is not expected to disrupt MCPH1 protein function with a negative predictive value of 80%. In summary, the available evidence is currently insufficient to determine the role of this variant in disease. Therefore, it has been classified as a Variant of Uncertain Significance.

Athena Diagnostics
Classification: Uncertain significance. Last evaluated: 2020-10-26. Review status: criteria provided, single submitter. Criteria: Athena Diagnostics criteria. Collection method: clinical testing. Allele origin: unknown.